The following is an entry in ClinVar:

NM_021830.5(TWNK):c.751C>G (p.Pro251Ala)

Gene: TWNK (twinkle mtDNA helicase; plus strand). Cytogenetic location: 10q24.31.
Variant type: single nucleotide variant.
Coding change: c.751C>G on transcript NM_021830.5 (MANE Select); coding-DNA position 751, C replaced by G.
Protein change: p.Pro251Ala; replaces proline 251 with alanine.
Molecular consequence: missense variant. On other transcripts: non-coding transcript variant (4), intron variant (3).
Genome position (GRCh38, 1-based): chr10:100,988,961, C>G. VCF-style: chr10-100988961-C-G. GRCh37 (hg19) VCF-style: chr10-102748718-C-G.
Other names: c.751C>G, p.Pro251Ala (NM_001163812.2); c.-119-683C>G (NM_001163814.2, NM_001163813.2); c.-57-745C>G (NM_001368275.1); short protein forms P251A.
Identifiers: ClinVar variation 2814518 (VCV002814518.3), dbSNP rs1851676617, ClinGen allele CA378208356.

ClinVar aggregate classification (germline): Uncertain significance (1 of 4 stars; one submission).

Allele frequency attached by ClinVar (database versions not stated): gnomAD exomes below 0.00001; TOPMed 0.00001.
gnomAD v4.1: 2 of 1,614,176 alleles (0.00012%); highest among the groups gnomAD compares: African/African-American, 0.0013%; no homozygotes.

Submission:

Labcorp Genetics (formerly Invitae), Labcorp
Classification: Uncertain significance. Last evaluated: 2023-06-24. Review status: criteria provided, single submitter. Criteria: Invitae Variant Classification Sherloc (09022015). Collection method: clinical testing. Allele origin: germline.
Comment: This variant is not present in population databases (gnomAD no frequency). In summary, the available evidence is currently insufficient to determine the role of this variant in disease. Therefore, it has been classified as a Variant of Uncertain Significance. Advanced modeling of protein sequence and biophysical properties (such as structural, functional, and spatial information, amino acid conservation, physicochemical variation, residue mobility, and thermodynamic stability) has been performed at Invitae for this missense variant, however the output from this modeling did not meet the statistical confidence thresholds required to predict the impact of this variant on TWNK protein function. This variant has not been reported in the literature in individuals affected with TWNK-related conditions. This sequence change replaces proline, which is neutral and non-polar, with alanine, which is neutral and non-polar, at codon 251 of the TWNK protein (p.Pro251Ala).